The following is an entry in ClinVar:

ClinVar aggregate classification (germline): Pathogenic (1 of 4 stars; one submission).

Submission:

GeneDx
Classification: Pathogenic. Last evaluated: 2024-03-15. Review status: criteria provided, single submitter. Criteria: GeneDx Variant Classification Process June 2021. Collection method: clinical testing. Allele origin: germline. Affected: yes.
Comment: Nonsense variant predicted to result in protein truncation or nonsense mediated decay in a gene for which loss of function is a known mechanism of disease; Not observed at significant frequency in large population cohorts (gnomAD); This variant is associated with the following publications: (PMID: 33814361)

NM_015331.3(NCSTN):c.1294C>T (p.Arg432Ter)

Gene: NCSTN (nicastrin; plus strand). Cytogenetic location: 1q23.2.
Variant type: single nucleotide variant.
Coding change: c.1294C>T on transcript NM_015331.3 (MANE Select); coding-DNA position 1294, C replaced by T.
Protein change: p.Arg432Ter; replaces arginine 432 with a stop codon.
Molecular consequence: nonsense.
Genome position (GRCh38, 1-based): chr1:160,354,232, C>T. VCF-style: chr1-160354232-C-T. GRCh37 (hg19) VCF-style: chr1-160324022-C-T.
Other names: c.1234C>T, p.Arg412Ter (NM_001290184.2); c.880C>T, p.Arg294Ter (NM_001290186.2); c.1294C>T, p.Arg432Ter (NM_001349729.2); short protein forms R294*, R412*, R432*.
Identifiers: ClinVar variation 3342377 (VCV003342377.1).